The following is an entry in ClinVar:

ClinVar aggregate classification (germline): Conflicting classifications of pathogenicity. Review status: criteria provided, conflicting classifications (1 of 4 stars). 4 submissions from 4 submitters: Uncertain significance (3); Likely benign (1). Last evaluated 2025-08-01.

Conditions:
Hereditary cancer-predisposing syndrome. Also called: Tumor predisposition; Hereditary neoplastic syndrome; Neoplastic Syndromes, Hereditary; Hereditary Cancer Syndrome. Identifiers: Orphanet 140162, MedGen C0027672, MeSH D009386, MONDO:0015356.
Ovarian cancer. Also called: OVARIAN CANCER, SOMATIC. Identifiers: Orphanet 213500, MedGen C1140680, MONDO:0008170, OMIM 167000.
Familial cancer of breast. Also called: Hereditary breast cancer; hereditary breast carcinoma; BREAST CANCER, FAMILIAL. Identifiers: Orphanet 227535, MedGen C0346153, MONDO:0016419, OMIM 114480. Disease mechanism: loss of function.

Allele frequency attached by ClinVar (database versions not stated): gnomAD exomes below 0.00001.

Submissions (4):

Ambry Genetics
Classification: Likely benign for Hereditary cancer-predisposing syndrome. Last evaluated: 2025-08-01. Review status: criteria provided, single submitter. Criteria: Ambry Variant Classification Scheme 2023. Collection method: clinical testing. Allele origin: germline.

Quest Diagnostics Nichols Institute San Juan Capistrano
Classification: Uncertain significance. Last evaluated: 2025-03-03. Review status: criteria provided, single submitter. Criteria: Quest Diagnostics criteria. Collection method: clinical testing. Allele origin: unknown.
Comment: The PALB2 c.998C>A (p.Thr333Asn) variant has not been reported in individuals with PALB2-related conditions in the published literature. It also has not been reported in large, multi-ethnic general populations (Genome Aggregation Database). Analysis of this variant using bioinformatics tools for the prediction of the effect of amino acid changes on protein structure and function yielded predictions that this variant is benign. Based on the available information, we are unable to determine the clinical significance of this variant.

Labcorp Genetics (formerly Invitae), Labcorp
Classification: Uncertain significance for Familial cancer of breast. Last evaluated: 2021-10-07. Review status: criteria provided, single submitter. Criteria: Invitae Variant Classification Sherloc (09022015). Collection method: clinical testing. Allele origin: germline.
Comment: In summary, the available evidence is currently insufficient to determine the role of this variant in disease. Therefore, it has been classified as a Variant of Uncertain Significance. Algorithms developed to predict the effect of missense changes on protein structure and function output the following: SIFT: "Tolerated"; PolyPhen-2: "Possibly Damaging"; Align-GVGD: "Class C0". The asparagine amino acid residue is found in multiple mammalian species, which suggests that this missense change does not adversely affect protein function. This variant has not been reported in the literature in individuals affected with PALB2-related conditions. This variant is not present in population databases (ExAC no frequency). This sequence change replaces threonine with asparagine at codon 333 of the PALB2 protein (p.Thr333Asn). The threonine residue is moderately conserved and there is a small physicochemical difference between threonine and asparagine.

Genetics and Molecular Pathology, SA Pathology
Classification: Uncertain significance for Ovarian cancer. Last evaluated: 2020-11-24. Review status: criteria provided, single submitter. Criteria: ACMG Guidelines, 2015. Collection method: clinical testing. Allele origin: germline. Affected: yes.

NM_024675.4(PALB2):c.998C>A (p.Thr333Asn)

Gene: PALB2 (partner and localizer of BRCA2; minus strand). Cytogenetic location: 16p12.2.
Variant type: single nucleotide variant.
Coding change: c.998C>A on transcript NM_024675.4 (MANE Select); coding-DNA position 998, C replaced by A.
Protein change: p.Thr333Asn; replaces threonine 333 with asparagine.
Molecular consequence: missense variant.
Genome position (GRCh38, 1-based): chr16:23,635,548, G>T on the plus strand (C>A on the coding strand, the complement: PALB2 is on the minus strand). VCF-style: chr16-23635548-G-T. GRCh37 (hg19) VCF-style: chr16-23646869-G-T.
Other names: short protein forms T333N.
Identifiers: ClinVar variation 951770 (VCV000951770.13), dbSNP rs1567221840, ClinGen allele CA395134639.